The following is an entry in ClinVar:

ClinVar aggregate classification (germline): Likely pathogenic (1 of 4 stars; one submission).

Conditions:
Epidermolysis bullosa simplex 5B, with muscular dystrophy (EBS5B). Also called: EPIDERMOLYSIS BULLOSA SIMPLEX AND LIMB-GIRDLE MUSCULAR DYSTROPHY; Epidermolysis bullosa simplex with muscular dystrophy. Identifiers: Orphanet 257, MedGen C2931072, MONDO:0009181, OMIM 226670.

Submission:

Neuberg Centre For Genomic Medicine, NCGM
Classification: Likely pathogenic for Epidermolysis bullosa simplex 5B, with muscular dystrophy. Review status: criteria provided, single submitter. Criteria: ACMG Guidelines, 2015. Collection method: clinical testing. Allele origin: germline. Affected: yes.
Comment: The stop gained p.Q2467* in PLEC (NM_000445.5) has not been reported previously as a pathogenic variant nor as a benign variant, to our knowledge. The variant is novel in the gnomad and 1000 Genome dataset. It is predcited to cause nonsense mediated decay. Loss of function variants have been reported previously to be disease causing. For these reasons, this variant has been classified as Likely Pathogenic.

NM_201384.3(PLEC):c.7318C>T (p.Gln2440Ter)

Gene: PLEC (plectin; minus strand). Cytogenetic location: 8q24.3.
Variant type: single nucleotide variant.
Coding change: c.7318C>T on transcript NM_201384.3 (MANE Select); coding-DNA position 7318, C replaced by T.
Protein change: p.Gln2440Ter; replaces glutamine 2440 with a stop codon.
Molecular consequence: nonsense.
Genome position (GRCh38, 1-based): chr8:143,922,611, G>A on the plus strand (C>T on the coding strand, the complement: PLEC is on the minus strand). VCF-style: chr8-143922611-G-A. GRCh37 (hg19) VCF-style: chr8-144996779-G-A.
Other names: c.7399C>T, p.Gln2467Ter (NM_000445.5); c.7276C>T, p.Gln2426Ter (NM_201378.4); c.7252C>T, p.Gln2418Ter (NM_201379.3); c.7729C>T, p.Gln2577Ter (NM_201380.4); c.7222C>T, p.Gln2408Ter (NM_201381.3); c.7318C>T, p.Gln2440Ter (NM_201382.4); c.7330C>T, p.Gln2444Ter (NM_201383.3); short protein forms Q2408*, Q2418*, Q2426*, Q2440*, Q2444*, Q2467*, Q2577*.
Identifiers: ClinVar variation 1339242 (VCV001339242.2), dbSNP rs2131266696, ClinGen allele CA372526194.